The following is an entry in ClinVar:

NM_000155.4(GALT):c.800T>A (p.Leu267Gln)

Gene: GALT (galactose-1-phosphate uridylyltransferase; plus strand). Cytogenetic location: 9p13.3.
Variant type: single nucleotide variant.
Coding change: c.800T>A on transcript NM_000155.4 (MANE Select); coding-DNA position 800, T replaced by A.
Protein change: p.Leu267Gln; replaces leucine 267 with glutamine.
Molecular consequence: missense variant.
Genome position (GRCh38, 1-based): chr9:34,648,874, T>A. VCF-style: chr9-34648874-T-A. GRCh37 (hg19) VCF-style: chr9-34648871-T-A.
Other names: c.473T>A, p.Leu158Gln (NM_001258332.2); short protein forms L158Q, L267Q.
Identifiers: ClinVar variation 4536641 (VCV004536641.1).

ClinVar aggregate classification (germline): Uncertain significance (1 of 4 stars; one submission).

Submission:

Women's Health and Genetics/Laboratory Corporation of America, LabCorp
Classification: Uncertain significance. Last evaluated: 2025-11-17. Review status: criteria provided, single submitter. Criteria: LabCorp Variant Classification Summary - May 2015. Collection method: clinical testing. Allele origin: germline.
Comment: Variant summary: GALT c.800T>A (p.Leu267Gln) results in a non-conservative amino acid change in the encoded protein sequence. Algorithms developed to predict the effect of missense changes on protein structure and function all suggest that this variant is likely to be disruptive. The variant was absent in 250752 control chromosomes. The available data on variant occurrences in the general population are insufficient to allow any conclusion about variant significance. To our knowledge, no occurrence of c.800T>A in individuals affected with GALT-related conditions and no experimental evidence demonstrating its impact on protein function have been reported. No submitters have cited clinical-significance assessments for this variant to ClinVar. Based on the evidence outlined above, the variant was classified as uncertain significance.